The following is an entry in ClinVar:

NM_000166.6(GJB1):c.166C>G (p.Leu56Val)

Gene: GJB1 (gap junction protein beta 1; plus strand). Cytogenetic location: Xq13.1.
Variant type: single nucleotide variant.
Coding change: c.166C>G on transcript NM_000166.6 (MANE Select); coding-DNA position 166, C replaced by G.
Protein change: p.Leu56Val; replaces leucine 56 with valine.
Molecular consequence: missense variant.
Genome position (GRCh38, 1-based): chrX:71,223,873, C>G. VCF-style: chrX-71223873-C-G. GRCh37 (hg19) VCF-style: chrX-70443723-C-G.
Other names: c.166C>G, p.Leu56Val (NM_001097642.3); short protein forms L56V.
Identifiers: ClinVar variation 1384644 (VCV001384644.6), dbSNP rs1602348872, ClinGen allele CA413501230.
Genomic context (GRCh38, chrX:71,223,873, plus strand): 5'-CTGGTGGTGGCTGCAGAGAGTGTGTGGGGTGATGAGAAATCTTCCTTCATCTGCAACACA[C>G]TCCAGCCTGGCTGCAACAGCGTTTGCTATGACCAATTCTTCCCCATCTCCCATGTGCGGC-3'
Protein context (NP_000157.1, residues 46-66): DEKSSFICNT[Leu56Val]QPGCNSVCYD

ClinVar aggregate classification (germline): Uncertain significance (1 of 4 stars; one submission).

Conditions:
Charcot-Marie-Tooth Neuropathy X. Identifiers: MedGen CN118851.

Submission:

Labcorp Genetics (formerly Invitae), Labcorp
Classification: Uncertain significance for Charcot-Marie-Tooth Neuropathy X. Last evaluated: 2021-10-05. Review status: criteria provided, single submitter. Criteria: Invitae Variant Classification Sherloc (09022015). Collection method: clinical testing. Allele origin: germline.
Comment: This sequence change replaces leucine with valine at codon 56 of the GJB1 protein (p.Leu56Val). The leucine residue is moderately conserved and there is a small physicochemical difference between leucine and valine. Algorithms developed to predict the effect of sequence changes on RNA splicing suggest that this variant may create or strengthen a splice site. In summary, the available evidence is currently insufficient to determine the role of this variant in disease. Therefore, it has been classified as a Variant of Uncertain Significance. This variant is not present in population databases (ExAC no frequency). This variant has not been reported in the literature in individuals affected with GJB1-related conditions. Algorithms developed to predict the effect of missense changes on protein structure and function (SIFT, PolyPhen-2, Align-GVGD) all suggest that this variant is likely to be tolerated.